The following is an entry in ClinVar:

ClinVar aggregate classification (germline): Uncertain significance (1 of 4 stars; one submission).

Submission:

Labcorp Genetics (formerly Invitae), Labcorp
Classification: Uncertain significance. Last evaluated: 2023-08-07. Review status: criteria provided, single submitter. Criteria: Invitae Variant Classification Sherloc (09022015). Collection method: clinical testing. Allele origin: germline.
Comment: In summary, the available evidence is currently insufficient to determine the role of this variant in disease. Therefore, it has been classified as a Variant of Uncertain Significance. This variant has not been reported in the literature in individuals affected with IL12RB2-related conditions. This variant is not present in population databases (gnomAD no frequency). This sequence change creates a premature translational stop signal (p.Ser342Phefs*46) in the IL12RB2 gene. It is expected to result in an absent or disrupted protein product. However, the current clinical and genetic evidence is not sufficient to establish whether loss-of-function variants in IL12RB2 cause disease.

NM_001374259.2(IL12RB2):c.1025_1029del (p.Ser342fs)

Gene: IL12RB2 (interleukin 12 receptor subunit beta 2; plus strand). Cytogenetic location: 1p31.3.
Variant type: Deletion.
Coding change: c.1025_1029del on transcript NM_001374259.2 (MANE Select); coding-DNA positions 1025 to 1029, 5 bases deleted (CTCTT; older notation c.1025_1029delCTCTT).
Protein change: p.Ser342fs; shifts the reading frame from serine 342.
Molecular consequence: frameshift variant. On other transcripts: non-coding transcript variant (2).
Genome position (GRCh38, 1-based): chr1:67,338,690-67,338,694, CTCTT deleted; deleting any 5 consecutive bases within chr1:67,338,688-67,338,694 gives the same sequence; the c. name uses the placement nearest the transcript's 3' end. VCF-style (leftmost placement, unchanged base first): chr1-67338687-TTTCTC-T. GRCh37 (hg19) VCF-style: chr1-67804370-TTTCTC-T.
Other names: c.1025_1029del, p.Ser342fs (NM_001258214.1, NM_001258215.1, NM_001258216.1 and 2 more transcripts); short protein forms S342fs.
Identifiers: ClinVar variation 2694624 (VCV002694624.3), dbSNP rs2526061143, ClinGen allele CA2697552471.
Genomic context (GRCh38, chr1:67,338,687, plus strand): 5'-CTACTGGGATGTTAGATGTCTGGTACATGAAACGGCACATTGACTACAGTAGACAACAGA[TTTCTC>T]TTTTCTGGAAGGTGAGTTTTAAGCGTCAACTTAAAACTCAAGGGAATAAAACTGAAGGCA-3'